The following is an entry in ClinVar:

ClinVar aggregate classification (germline): Uncertain significance (1 of 4 stars; one submission).

Submission:

Centre for Mendelian Genomics, University Medical Centre Ljubljana
Classification: Uncertain significance. Last evaluated: 2019-10-08. Review status: criteria provided, single submitter. Criteria: ACMG Guidelines, 2015. Collection method: clinical testing. Allele origin: unknown. Affected: yes.
Comment: This variant was classified as: Uncertain significance. The available evidence on this variant's pathogenicity is insufficient or conflicting. The following ACMG criteria were applied in classifying this variant: PM2.

NM_001042376.3(INS-IGF2):c.337A>C (p.Thr113Pro)

Genes: IGF2 (insulin like growth factor 2; minus strand), INS-IGF2 (INS-IGF2 readthrough; minus strand). Cytogenetic location: 11p15.5.
Variant type: single nucleotide variant.
Coding change: c.337A>C on transcript NM_001042376.3; coding-DNA position 337, A replaced by C.
Protein change: p.Thr113Pro; replaces threonine 113 with proline.
Molecular consequence: missense variant. On other transcripts: 5 prime UTR variant (1), non-coding transcript variant (1).
Genome position (GRCh38, 1-based): chr11:2,149,196, T>G on the plus strand (A>C on the coding strand, the complement: INS-IGF2 is on the minus strand). VCF-style: chr11-2149196-T-G. GRCh37 (hg19) VCF-style: chr11-2170426-T-G.
Other names: c.-319A>C (NM_001007139.6); short protein forms T113P.
Identifiers: ClinVar variation 930637 (VCV000930637.5), dbSNP rs1860168345, ClinGen allele CA379118277.